The following is an entry in ClinVar:

NM_000322.5(PRPH2):c.994G>A (p.Val332Met)

Gene: PRPH2 (peripherin 2; minus strand). Cytogenetic location: 6p21.1.
Variant type: single nucleotide variant.
Coding change: c.994G>A on transcript NM_000322.5 (MANE Select); coding-DNA position 994, G replaced by A.
Protein change: p.Val332Met; replaces valine 332 with methionine.
Molecular consequence: missense variant.
Genome position (GRCh38, 1-based): chr6:42,698,342, C>T on the plus strand (G>A on the coding strand, the complement: PRPH2 is on the minus strand). VCF-style: chr6-42698342-C-T. GRCh37 (hg19) VCF-style: chr6-42666080-C-T.
Other names: short protein forms V332M.
Identifiers: ClinVar variation 867019 (VCV000867019.7), dbSNP rs1799985104, ClinGen allele CA364132730.
Genomic context (GRCh38, chr6:42,698,342, plus strand): 5'-GGCCCCAGGGCCCTCAGCCAGCCTCTGGGGCCTGGCCTGCGTCTGCGCCCTCGGCTTCCA[C>T]CTGGTTGCCCTTGCCCAGCTTCTTCACACTCTCCAGAAAGGCCTTCCAGGTCTCCGGCAC-3'
Protein context (NP_000313.2, residues 322-342): SVKKLGKGNQ[Val332Met]EAEGADAGQA

ClinVar aggregate classification (germline): Conflicting classifications of pathogenicity. Review status: criteria provided, conflicting classifications (1 of 4 stars). 2 submissions from 2 submitters: Likely pathogenic (1); Uncertain significance (1). Last evaluated 2022-09-09.

Conditions:
PRPH2-related disorder. Also called: PRPH2-related condition; PRPH2-related disorders. Identifiers: MedGen CN239395.

Submissions (2):

Labcorp Genetics (formerly Invitae), Labcorp
Classification: Uncertain significance for PRPH2-related disorder. Last evaluated: 2022-09-09. Review status: criteria provided, single submitter. Criteria: Invitae Variant Classification Sherloc (09022015). Collection method: clinical testing. Allele origin: germline.
Comment: This variant has not been reported in the literature in individuals affected with PRPH2-related conditions. ClinVar contains an entry for this variant (Variation ID: 867019). Advanced modeling of protein sequence and biophysical properties (such as structural, functional, and spatial information, amino acid conservation, physicochemical variation, residue mobility, and thermodynamic stability) has been performed at Invitae for this missense variant, however the output from this modeling did not meet the statistical confidence thresholds required to predict the impact of this variant on PRPH2 protein function. This variant disrupts the p.Val332 amino acid residue in PRPH2. Other variant(s) that disrupt this residue have been determined to be pathogenic (PMID: 30718709, 32531846; Invitae). This suggests that this residue is clinically significant, and that variants that disrupt this residue are likely to be disease-causing. In summary, the available evidence is currently insufficient to determine the role of this variant in disease. Therefore, it has been classified as a Variant of Uncertain Significance. This variant is not present in population databases (gnomAD no frequency). This sequence change replaces valine, which is neutral and non-polar, with methionine, which is neutral and non-polar, at codon 332 of the PRPH2 protein (p.Val332Met).

Blueprint Genetics
Classification: Likely pathogenic for PRPH2-related disorders. Last evaluated: 2018-10-23. Review status: criteria provided, single submitter. Criteria: ACMG Guidelines, 2015. Collection method: clinical testing. Allele origin: germline. Affected: yes. Observed: 2 variant alleles.

Literature cited by the submitters: PubMed 30718709 (cited by Labcorp Genetics (formerly Invitae), Labcorp); PubMed 32531846 (cited by Labcorp Genetics (formerly Invitae), Labcorp).